The following is an entry in ClinVar:

ClinVar aggregate classification (germline): Likely benign (1 of 4 stars; one submission).

Submission:

CeGaT Center for Human Genetics Tuebingen
Classification: Likely benign. Last evaluated: 2026-06-01. Review status: criteria provided, single submitter. Criteria: CeGaT Center For Human Genetics Tuebingen Variant Classification Criteria Version 2. Collection method: clinical testing. Allele origin: germline. Affected: yes. Observed: 5 variant alleles.
Comment: ACAN: BP4, BP7

NM_001369268.1(ACAN):c.4233C>T (p.Ser1411=)

Gene: ACAN (aggrecan; plus strand). Cytogenetic location: 15q26.1.
Variant type: single nucleotide variant.
Coding change: c.4233C>T on transcript NM_001369268.1 (MANE Select); coding-DNA position 4233, C replaced by T.
Protein change: p.Ser1411=; no amino-acid change (serine 1411 retained).
Molecular consequence: synonymous variant.
Genome position (GRCh38, 1-based): chr15:88,856,818, C>T. VCF-style: chr15-88856818-C-T. GRCh37 (hg19) VCF-style: chr15-89400049-C-T.
Other names: c.4233C>T, p.Ser1411= (NM_001135.4, NM_001411096.1, NM_001411097.1 and 1 more transcripts).
Identifiers: ClinVar variation 3898236 (VCV003898236.7).
Genomic context (GRCh38, chr15:88,856,818, plus strand): 5'-CAGCGGGCTTCCTTCTGGAGAAGTTCTAGAGACTACTGCCCCTGGAGTAGAGGAGATCAG[C>T]GGGCTTCCTTCTGGAGAAGTTCTAGAGACTACTGCCCCTGGAGTAGATGAGATCAGTGGG-3'
Protein context (NP_001356197.1, residues 1401-1421): ETTAPGVEEI[Ser1411=]GLPSGEVLET